The following is an entry in ClinVar:

NM_003628.6(PKP4):c.2378A>G (p.Lys793Arg)

Genes: PKP4 (plakophilin 4; plus strand), PKP4-AS1 (PKP4 antisense RNA 1; minus strand). Cytogenetic location: 2q24.1.
Variant type: single nucleotide variant.
Coding change: c.2378A>G on transcript NM_003628.6 (MANE Select); coding-DNA position 2378, A replaced by G.
Protein change: p.Lys793Arg; replaces lysine 793 with arginine.
Molecular consequence: missense variant.
Genome position (GRCh38, 1-based): chr2:158,663,063, A>G. VCF-style: chr2-158663063-A-G. GRCh37 (hg19) VCF-style: chr2-159519575-A-G.
Other names: c.2378A>G, p.Lys793Arg (NM_001005476.4, NM_001304971.2, NM_001377218.1 and 1 more transcripts); c.2375A>G, p.Lys792Arg (NM_001304969.3, NM_001377219.1, NM_001377220.1 and 2 more transcripts); c.1349A>G, p.Lys450Arg (NM_001304970.3); c.2372A>G, p.Lys791Arg (NM_001377222.1, NM_001377223.1); c.2369A>G, p.Lys790Arg (NM_001377224.1); short protein forms K450R, K790R, K792R, K791R, K793R.
Identifiers: ClinVar variation 1790386 (VCV001790386.2), dbSNP rs780082429, ClinGen allele CA1920981.
Genomic context (GRCh38, chr2:158,663,063, plus strand): 5'-GAAAAGAGTCTCCCAGCAAAGACTCTGAGCCAAGTTGCTGGGGGAAGAAGAAGAAAAAGA[A>G]AAAGAGGACTCCGCAAGAAGATCAAGTTAGCATTTTATTTTATATGAGACTCTCAAGTTT-3'
Protein context (NP_003619.2, residues 783-803): PSCWGKKKKK[Lys793Arg]KRTPQEDQWD

ClinVar aggregate classification (germline): Uncertain significance (1 of 4 stars; one submission).

Allele frequency attached by ClinVar (database versions not stated): gnomAD exomes 0.00001; ExAC 0.00002; gnomAD 0.00002; TOPMed 0.00002.
gnomAD v4.1: 25 of 1,610,940 alleles (0.0016%); highest among the groups gnomAD compares: Non-Finnish European, 0.0019%; no homozygotes.

Submission:

Ambry Genetics
Classification: Uncertain significance. Last evaluated: 2021-12-03. Review status: criteria provided, single submitter. Criteria: Ambry Variant Classification Scheme 2023. Collection method: clinical testing. Allele origin: germline.
Comment: The p.K793R variant (also known as c.2378A>G), located in coding exon 13 of the PKP4 gene, results from an A to G substitution at nucleotide position 2378. The lysine at codon 793 is replaced by arginine, an amino acid with highly similar properties. This amino acid position is conserved. In addition, the in silico prediction for this alteration is inconclusive. Since supporting evidence is limited at this time, the clinical significance of this alteration remains unclear.